The following is an entry in ClinVar:

ClinVar aggregate classification (germline): Uncertain significance (1 of 4 stars; one submission).

Submission:

Labcorp Genetics (formerly Invitae), Labcorp
Classification: Uncertain significance. Last evaluated: 2024-11-05. Review status: criteria provided, single submitter. Criteria: Invitae Variant Classification Sherloc (09022015). Collection method: clinical testing. Allele origin: germline.
Comment: This sequence change replaces arginine, which is basic and polar, with leucine, which is neutral and non-polar, at codon 633 of the KANK2 protein (p.Arg633Leu). This variant is not present in population databases (gnomAD no frequency). This variant has not been reported in the literature in individuals affected with KANK2-related conditions. ClinVar contains an entry for this variant (Variation ID: 2115628). An algorithm developed to predict the effect of missense changes on protein structure and function (PolyPhen-2) suggests that this variant is likely to be disruptive. In summary, the available evidence is currently insufficient to determine the role of this variant in disease. Therefore, it has been classified as a Variant of Uncertain Significance.

NM_001136191.3(KANK2):c.1898G>T (p.Arg633Leu)

Gene: KANK2 (KN motif and ankyrin repeat domains 2; minus strand). Cytogenetic location: 19p13.2.
Variant type: single nucleotide variant.
Coding change: c.1898G>T on transcript NM_001136191.3 (MANE Select); coding-DNA position 1898, G replaced by T.
Protein change: p.Arg633Leu; replaces arginine 633 with leucine.
Molecular consequence: missense variant.
Genome position (GRCh38, 1-based): chr19:11,174,643, C>A on the plus strand (G>T on the coding strand, the complement: KANK2 is on the minus strand). VCF-style: chr19-11174643-C-A. GRCh37 (hg19) VCF-style: chr19-11285319-C-A.
Other names: c.1898G>T, p.Arg633Leu (NM_001329451.2, NM_001379561.1, NM_001379562.1 and 7 more transcripts); c.1922G>T, p.Arg641Leu (NM_001379548.1, NM_001379549.1, NM_001379550.1 and 5 more transcripts); short protein forms R633L, R641L.
Identifiers: ClinVar variation 2115628 (VCV002115628.4), dbSNP rs140410551, ClinGen allele CA404080671.